The following is an entry in ClinVar:

ClinVar aggregate classification (germline): Uncertain significance (1 of 4 stars; one submission).

Conditions:
Kabuki syndrome 2 (KABUK2). Also called: KDM6A-Related Kabuki Syndrome. Identifiers: Orphanet 2322, MedGen C3275495, MONDO:0010465, OMIM 300867.

Submission:

Labcorp Genetics (formerly Invitae), Labcorp
Classification: Uncertain significance for Kabuki syndrome 2. Last evaluated: 2022-11-04. Review status: criteria provided, single submitter. Criteria: Invitae Variant Classification Sherloc (09022015). Collection method: clinical testing. Allele origin: unknown.
Comment: In summary, the available evidence is currently insufficient to determine the role of this variant in disease. Therefore, it has been classified as a Variant of Uncertain Significance. This variant has not been reported in the literature in individuals affected with KDM6A-related conditions. This variant results in a copy number gain of the genomic region encompassing exon(s) 1-26 of the KDM6A gene. This region includes the initiator codon of the gene. This copy number gain extends beyond the assayed region for this gene and therefore may encompass additional genes. As the precise location of this event is unknown, it may be in tandem or it may be located elsewhere in the genome.

NC_000023.10:g.(?_44732798)_(44950129_?)dup

Gene: KDM6A (lysine demethylase 6A; plus strand). Cytogenetic location: Xp11.3.
Variant type: Duplication.
Identifiers: ClinVar variation 3245483 (VCV003245483.1).